The following is an entry in ClinVar:

ClinVar aggregate classification (germline): Uncertain significance (1 of 4 stars; one submission).

Submission:

Labcorp Genetics (formerly Invitae), Labcorp
Classification: Uncertain significance. Last evaluated: 2024-03-01. Review status: criteria provided, single submitter. Criteria: Invitae Variant Classification Sherloc (09022015). Collection method: clinical testing. Allele origin: germline.
Comment: This sequence change replaces proline, which is neutral and non-polar, with threonine, which is neutral and polar, at codon 210 of the SIAE protein (p.Pro210Thr). This variant is not present in population databases (gnomAD no frequency). This variant has not been reported in the literature in individuals affected with SIAE-related conditions. An algorithm developed to predict the effect of missense changes on protein structure and function (PolyPhen-2) suggests that this variant is likely to be disruptive. In summary, the available evidence is currently insufficient to determine the role of this variant in disease. Therefore, it has been classified as a Variant of Uncertain Significance.

NM_170601.5(SIAE):c.628C>A (p.Pro210Thr)

Gene: SIAE (sialic acid acetylesterase; minus strand). Cytogenetic location: 11q24.2.
Variant type: single nucleotide variant.
Coding change: c.628C>A on transcript NM_170601.5 (MANE Select); coding-DNA position 628, C replaced by A.
Protein change: p.Pro210Thr; replaces proline 210 with threonine.
Molecular consequence: missense variant.
Genome position (GRCh38, 1-based): chr11:124,649,713, G>T on the plus strand (C>A on the coding strand, the complement: SIAE is on the minus strand). VCF-style: chr11-124649713-G-T. GRCh37 (hg19) VCF-style: chr11-124519609-G-T.
Other names: c.523C>A, p.Pro175Thr (NM_001199922.2); short protein forms P175T, P210T.
Identifiers: ClinVar variation 3608372 (VCV003608372.2).
Genomic context (GRCh38, chr11:124,649,713, plus strand): 5'-GTCCAGATGACCAGGCTTCAATGGGTGTCCCGCCCCAGCTGGAGGCGATCAGCCCGATGG[G>T]ATACTGCAGAGTGTCATAAAGGTGACGTCCAAAGAGCCAGCACACTGCTGACATGTACTT-3'
Protein context (NP_733746.1, residues 200-220): GRHLYDTLQY[Pro210Thr]IGLIASSWGG